The following is an entry in ClinVar:

GRCh38/hg38 9p24.2-24.1(chr9:4495614-4645935)x1

Genes: SLC1A1 (solute carrier family 1 member 1; plus strand), SPATA6L (spermatogenesis associated 6 like; minus strand), LOC126860565 (MED14-independent group 3 enhancer GRCh37_chr9:4605494-4606693; plus strand), LOC130001483 (ATAC-STARR-seq lymphoblastoid active region 28147; plus strand). Cytogenetic location: 9p24.2-24.1.
Variant type: copy number loss.
Change: copy number 1 (one copy instead of two) of chr9:4,495,614-4,645,935 (150.3 kb, GRCh38 coordinates, 1-based), cytogenetic band 9p24.2-24.1.
Identifiers: ClinVar variation 4796280 (VCV004796280.1).

ClinVar aggregate classification (germline): Uncertain significance (1 of 4 stars; one submission).

Submission:

Medical Genetic Center, Changzhi Maternal and Child Health Care Hospital
Classification: Uncertain significance. Last evaluated: 2025-12-10. Review status: criteria provided, single submitter. Criteria: ACMG/ClinGen CNV Guidelines, 2019. Collection method: clinical testing. Allele origin: unknown.
Comment: 1. STRC deltion carrier